The following is an entry in ClinVar:

ClinVar aggregate classification (germline): Benign/Likely benign. Review status: criteria provided, multiple submitters, no conflicts (2 of 4 stars). 2 submissions from 2 submitters: Benign (1); Likely benign (1). Last evaluated 2025-12-21.

Conditions:
Lowe syndrome (OCRL). Also called: PHOSPHATIDYLINOSITOL 4,5-BISPHOSPHATE 5-PHOSPHATASE DEFICIENCY; LOWE OCULOCEREBRORENAL SYNDROME; Oculocerebrorenal Syndrome. Identifiers: Orphanet 534, MedGen C0028860, MONDO:0010645, OMIM 309000.
OCRL-related disorder. Also called: OCRL-related condition.

Allele frequency attached by ClinVar (database versions not stated): gnomAD exomes 0.00002; ExAC 0.00013; ESP Exome Variant Server 0.00028; gnomAD 0.00028; TOPMed 0.00033.
gnomAD v4.1: 54 of 1,207,398 alleles (0.0045%); highest among the groups gnomAD compares: African/African-American, 0.087%; no homozygotes.

Submissions (2):

Labcorp Genetics (formerly Invitae), Labcorp
Classification: Benign for Lowe syndrome. Last evaluated: 2025-12-21. Review status: criteria provided, single submitter. Criteria: Invitae Variant Classification Sherloc (09022015). Collection method: clinical testing. Allele origin: germline.

PreventionGenetics, part of Exact Sciences
Classification: Likely benign for OCRL-related condition. Last evaluated: 2025-03-12. Review status: criteria provided, single submitter. Criteria: ACMG Guidelines, 2015. Collection method: clinical testing. Allele origin: germline.
Comment: This variant is classified as likely benign based on ACMG/AMP sequence variant interpretation guidelines (Richards et al. 2015 PMID: 25741868, with internal and published modifications).

NM_000276.4(OCRL):c.864C>T (p.Tyr288=)

Gene: OCRL (OCRL inositol polyphosphate-5-phosphatase; plus strand). Cytogenetic location: Xq26.1.
Variant type: single nucleotide variant.
Coding change: c.864C>T on transcript NM_000276.4 (MANE Select); coding-DNA position 864, C replaced by T.
Protein change: p.Tyr288=; no amino-acid change (tyrosine 288 retained).
Molecular consequence: synonymous variant.
Genome position (GRCh38, 1-based): chrX:129,561,218, C>T. VCF-style: chrX-129561218-C-T. GRCh37 (hg19) VCF-style: chrX-128695195-C-T.
Other names: c.867C>T, p.Tyr289= (NM_001318784.2); c.864C>T, p.Tyr288= (NM_001587.4); c.864C>T (NM_000276.3).
Identifiers: ClinVar variation 2195823 (VCV002195823.5), dbSNP rs150466103, ClinGen allele CA10512098.